The following is an entry in ClinVar:

NM_207122.2(EXT2):c.740C>A (p.Pro247Gln)

Gene: EXT2 (exostosin glycosyltransferase 2; plus strand). Cytogenetic location: 11p11.2.
Variant type: single nucleotide variant.
Coding change: c.740C>A on transcript NM_207122.2 (MANE Select); coding-DNA position 740, C replaced by A.
Protein change: p.Pro247Gln; replaces proline 247 with glutamine.
Molecular consequence: missense variant.
Genome position (GRCh38, 1-based): chr11:44,114,298, C>A. VCF-style: chr11-44114298-C-A. GRCh37 (hg19) VCF-style: chr11-44135848-C-A.
Other names: c.839C>A, p.Pro280Gln (NM_000401.3); c.740C>A, p.Pro247Gln (NM_001178083.3, NM_001389628.1, NM_001389630.1); short protein forms P247Q, P280Q.
Identifiers: ClinVar variation 134213 (VCV000134213.9), dbSNP rs372237191, ClinGen allele CA159151.

ClinVar aggregate classification (germline): Conflicting classifications of pathogenicity. Review status: criteria provided, conflicting classifications (1 of 4 stars). 4 submissions from 4 submitters: Uncertain significance (2); Benign (1). 1 of the submissions does not count toward it. Last evaluated 2026-06-22.

Conditions:
Inborn genetic diseases. Identifiers: MedGen C0950123, MeSH D030342.
Exostoses, multiple, type 2 (EXT2). Also called: Hereditary Multiple Osteochondromatosis, Type II; EXOSTOSES, MULTIPLE, TYPE II. Identifiers: Orphanet 321, MedGen C1851413, MONDO:0007586, OMIM 133701.

Allele frequency attached by ClinVar (database versions not stated): TOPMed 0.00006; ESP Exome Variant Server 0.00008.
gnomAD v4.1: 40 of 1,612,488 alleles (0.0025%); highest among the groups gnomAD compares: Non-Finnish European, 0.0034%; no homozygotes.

Submissions (4):

Ambry Genetics
Classification: Uncertain significance for Inborn genetic diseases. Last evaluated: 2026-06-22. Review status: criteria provided, single submitter. Criteria: Ambry Variant Classification Scheme 2023. Collection method: clinical testing. Allele origin: germline.

Labcorp Genetics (formerly Invitae), Labcorp
Classification: Benign for Exostoses, multiple, type 2. Last evaluated: 2025-05-12. Review status: criteria provided, single submitter. Criteria: Invitae Variant Classification Sherloc (09022015). Collection method: clinical testing. Allele origin: germline.

Institute for Clinical Genetics, University Hospital TU Dresden, University Hospital TU Dresden
Classification: Uncertain significance. Last evaluated: 2021-11-03. Review status: criteria provided, single submitter. Criteria: ACMG Guidelines, 2015. Collection method: clinical testing. Allele origin: germline.

ITMI
No classification provided. Condition: AllHighlyPenetrant. Last evaluated: 2013-09-19. Review status: no classification provided. Collection method: reference population. Allele origin: germline. Not counted in ClinVar's aggregate classification.
Comment: Please see associated publication for description of ethnicities

Literature cited by the submitters: PubMed 24728327 (cited by ITMI).